The following is an entry in ClinVar:

ClinVar aggregate classification (germline): Uncertain significance. Review status: criteria provided, multiple submitters, no conflicts (2 of 4 stars). 2 submissions from 2 submitters: Uncertain significance (2). Last evaluated 2025-03-10.

Conditions:
Inborn genetic diseases. Identifiers: MedGen C0950123, MeSH D030342.
Baller-Gerold syndrome (BGS). Also called: CRANIOSYNOSTOSIS WITH RADIAL DEFECTS. Identifiers: Orphanet 1225, MedGen C0265308, MONDO:0009039, OMIM 218600.

Allele frequency attached by ClinVar (database versions not stated): gnomAD exomes below 0.00001; gnomAD 0.00002; TOPMed 0.00002.
gnomAD v4.1: 4 of 1,612,568 alleles (0.00025%); highest among the groups gnomAD compares: Non-Finnish European, 0.00034%; no homozygotes.

Submissions (2):

Ambry Genetics
Classification: Uncertain significance for Inborn genetic diseases. Last evaluated: 2025-03-10. Review status: criteria provided, single submitter. Criteria: Ambry Variant Classification Scheme 2023. Collection method: clinical testing. Allele origin: germline.
Comment: The p.G457W variant (also known as c.1369G>T), located in coding exon 7 of the RECQL4 gene, results from a G to T substitution at nucleotide position 1369. The glycine at codon 457 is replaced by tryptophan, an amino acid with highly dissimilar properties. This amino acid position is conserved. In addition, the in silico prediction for this alteration is inconclusive. Based on the available evidence, the clinical significance of this variant remains unclear.

Labcorp Genetics (formerly Invitae), Labcorp
Classification: Uncertain significance for Baller-Gerold syndrome. Last evaluated: 2023-09-10. Review status: criteria provided, single submitter. Criteria: Invitae Variant Classification Sherloc (09022015). Collection method: clinical testing. Allele origin: germline.
Comment: In summary, the available evidence is currently insufficient to determine the role of this variant in disease. Therefore, it has been classified as a Variant of Uncertain Significance. Advanced modeling of protein sequence and biophysical properties (such as structural, functional, and spatial information, amino acid conservation, physicochemical variation, residue mobility, and thermodynamic stability) performed at Invitae indicates that this missense variant is expected to disrupt RECQL4 protein function. ClinVar contains an entry for this variant (Variation ID: 1451097). This variant has not been reported in the literature in individuals affected with RECQL4-related conditions. This variant is not present in population databases (gnomAD no frequency). This sequence change replaces glycine, which is neutral and non-polar, with tryptophan, which is neutral and slightly polar, at codon 457 of the RECQL4 protein (p.Gly457Trp).

NM_004260.4(RECQL4):c.1369G>T (p.Gly457Trp)

Gene: RECQL4 (RecQ like helicase 4; minus strand). Cytogenetic location: 8q24.3.
Variant type: single nucleotide variant.
Coding change: c.1369G>T on transcript NM_004260.4 (MANE Select); coding-DNA position 1369, G replaced by T.
Protein change: p.Gly457Trp; replaces glycine 457 with tryptophan.
Molecular consequence: missense variant.
Genome position (GRCh38, 1-based): chr8:144,515,347, C>A on the plus strand (G>T on the coding strand, the complement: RECQL4 is on the minus strand). VCF-style: chr8-144515347-C-A. GRCh37 (hg19) VCF-style: chr8-145740731-C-A.
Other names: c.1369G>T (NM_004260.3); short protein forms G457W.
Identifiers: ClinVar variation 1451097 (VCV001451097.7), dbSNP rs750720279, ClinGen allele CA372685377.